The following is an entry in ClinVar:

NM_000268.4(NF2):c.479G>A (p.Arg160Gln)

Gene: NF2 (NF2, moesin-ezrin-radixin like (MERLIN) tumor suppressor; plus strand). Cytogenetic location: 22q12.2.
Variant type: single nucleotide variant.
Coding change: c.479G>A on transcript NM_000268.4 (MANE Select); coding-DNA position 479, G replaced by A.
Protein change: p.Arg160Gln; replaces arginine 160 with glutamine.
Molecular consequence: missense variant. On other transcripts: non-coding transcript variant (1), intron variant (1).
Genome position (GRCh38, 1-based): chr22:29,654,688, G>A. VCF-style: chr22-29654688-G-A. GRCh37 (hg19) VCF-style: chr22-30050677-G-A.
Other names: c.479G>A, p.Arg160Gln (NM_016418.5, NM_181825.3, NM_181832.3); c.353G>A, p.Arg118Gln (NM_181828.3); c.356G>A, p.Arg119Gln (NM_181829.3); c.230G>A, p.Arg77Gln (NM_181830.3, NM_181831.3); c.447+12403G>A (NM_181833.3); short protein forms R77Q, R118Q, R119Q, R160Q.
Identifiers: ClinVar variation 657018 (VCV000657018.17), dbSNP rs867595517, ClinGen allele CA323109746.

ClinVar aggregate classification (germline): Uncertain significance. Review status: criteria provided, multiple submitters, no conflicts (2 of 4 stars). 6 submissions from 6 submitters: Uncertain significance (6). Last evaluated 2025-12-24.

Conditions:
Hereditary cancer-predisposing syndrome. Also called: Neoplastic Syndromes, Hereditary; Hereditary Cancer Syndrome; Tumor predisposition; Hereditary neoplastic syndrome. Identifiers: Orphanet 140162, MedGen C0027672, MeSH D009386, MONDO:0015356.
Neurofibromatosis, type 2 (SWNV). Also called: BILATERAL ACOUSTIC NEUROFIBROMATOSIS; NF2-Related Schwannomatosis; SCHWANNOMATOSIS, VESTIBULAR. Identifiers: Orphanet 637, MedGen C0027832, MONDO:0007039, OMIM 101000. Disease mechanism: loss of function.

gnomAD v4.1: 9 of 1,613,936 alleles (0.00056%); highest among the groups gnomAD compares: Non-Finnish European, 0.00076%; no homozygotes.

Submissions (6):

Labcorp Genetics (formerly Invitae), Labcorp
Classification: Uncertain significance for Neurofibromatosis, type 2. Last evaluated: 2025-12-24. Review status: criteria provided, single submitter. Criteria: Invitae Variant Classification Sherloc (09022015). Collection method: clinical testing. Allele origin: germline.
Comment: This sequence change replaces arginine, which is basic and polar, with glutamine, which is neutral and polar, at codon 160 of the NF2 protein (p.Arg160Gln). This variant is not present in population databases (gnomAD no frequency). This variant has not been reported in the literature in individuals affected with NF2-related conditions. ClinVar contains an entry for this variant (Variation ID: 657018). Invitae Evidence Modeling of protein sequence and biophysical properties (such as structural, functional, and spatial information, amino acid conservation, physicochemical variation, residue mobility, and thermodynamic stability) indicates that this missense variant is not expected to disrupt NF2 protein function with a negative predictive value of 80%. In summary, the available evidence is currently insufficient to determine the role of this variant in disease. Therefore, it has been classified as a Variant of Uncertain Significance.

Color Diagnostics, LLC DBA Color Health
Classification: Uncertain significance for Neurofibromatosis, type 2. Last evaluated: 2025-06-26. Review status: criteria provided, single submitter. Criteria: ACMG Guidelines, 2015. Collection method: clinical testing. Allele origin: germline.
Comment: This missense variant replaces arginine with glutamine at codon 160 of the NF2 protein. Computational prediction suggests that this variant may not impact protein structure and function. To our knowledge, functional studies have not been reported for this variant. This variant has not been reported in individuals affected with NF2-related disorders in the literature. This variant has not been identified in the general population by the Genome Aggregation Database (gnomAD). The available evidence is insufficient to determine the role of this variant in disease conclusively. Therefore, this variant is classified as a Variant of Uncertain Significance.

Ambry Genetics
Classification: Uncertain significance for Hereditary cancer-predisposing syndrome. Last evaluated: 2025-04-13. Review status: criteria provided, single submitter. Criteria: Ambry Variant Classification Scheme 2023. Collection method: clinical testing. Allele origin: germline.
Comment: The p.R160Q variant (also known as c.479G>A), located in coding exon 5 of the NF2 gene, results from a G to A substitution at nucleotide position 479. The arginine at codon 160 is replaced by glutamine, an amino acid with highly similar properties. This amino acid position is not well conserved in available vertebrate species. In addition, this alteration is predicted to be tolerated by in silico analysis. Since supporting evidence is limited at this time, the clinical significance of this alteration remains unclear.

All of Us Research Program, National Institutes of Health
Classification: Uncertain significance for Neurofibromatosis, type 2. Last evaluated: 2023-06-28. Review status: criteria provided, single submitter. Criteria: ACMG Guidelines, 2015. Collection method: clinical testing. Allele origin: germline. Inheritance: Autosomal dominant inheritance. Observed: 1 variant allele, 1 heterozygote.
Comment: This study involves interpretation of variants in research participants for the purpose of population health screening. Participant phenotype was not available at the time of variant classification. Additional details can be found in publication PMID: 35346344, PMCID: PMC8962531

Blueprint Genetics
Classification: Uncertain significance. Last evaluated: 2022-12-16. Review status: criteria provided, single submitter. Criteria: ACMG Guidelines, 2015. Collection method: clinical testing. Allele origin: germline.

Genome-Nilou Lab
Classification: Uncertain significance for Neurofibromatosis, type 2. Last evaluated: 2021-11-07. Review status: criteria provided, single submitter. Criteria: ACMG Guidelines, 2015. Collection method: clinical testing. Allele origin: germline. Affected: no.